The following is an entry in ClinVar:

ClinVar aggregate classification (germline): Uncertain significance (1 of 4 stars; one submission).

Allele frequency attached by ClinVar (database versions not stated): gnomAD exomes 0.00002; gnomAD 0.00003; ExAC 0.00009.
gnomAD v4.1: 34 of 1,609,864 alleles (0.0021%); highest among the groups gnomAD compares: Admixed American, 0.045%; no homozygotes.

Submission:

Labcorp Genetics (formerly Invitae), Labcorp
Classification: Uncertain significance. Last evaluated: 2022-08-19. Review status: criteria provided, single submitter. Criteria: Invitae Variant Classification Sherloc (09022015). Collection method: clinical testing. Allele origin: germline.
Comment: This sequence change replaces arginine, which is basic and polar, with histidine, which is basic and polar, at codon 134 of the PIGU protein (p.Arg134His). This variant is present in population databases (rs755704192, gnomAD 0.08%). This variant has not been reported in the literature in individuals affected with PIGU-related conditions. Algorithms developed to predict the effect of missense changes on protein structure and function (SIFT, PolyPhen-2, Align-GVGD) all suggest that this variant is likely to be tolerated. In summary, the available evidence is currently insufficient to determine the role of this variant in disease. Therefore, it has been classified as a Variant of Uncertain Significance.

NM_080476.5(PIGU):c.401G>A (p.Arg134His)

Gene: PIGU (phosphatidylinositol glycan anchor biosynthesis class U; minus strand). Cytogenetic location: 20q11.22.
Variant type: single nucleotide variant.
Coding change: c.401G>A on transcript NM_080476.5 (MANE Select); coding-DNA position 401, G replaced by A.
Protein change: p.Arg134His; replaces arginine 134 with histidine.
Molecular consequence: missense variant.
Genome position (GRCh38, 1-based): chr20:34,637,903, C>T on the plus strand (G>A on the coding strand, the complement: PIGU is on the minus strand). VCF-style: chr20-34637903-C-T. GRCh37 (hg19) VCF-style: chr20-33225707-C-T.
Other names: short protein forms R134H.
Identifiers: ClinVar variation 2085947 (VCV002085947.1), dbSNP rs755704192, ClinGen allele CA9822684.